The following is an entry in ClinVar:

NM_012199.5(AGO1):c.358G>A (p.Glu120Lys)

Gene: AGO1 (argonaute RISC component 1; plus strand). Cytogenetic location: 1p34.3.
Variant type: single nucleotide variant.
Coding change: c.358G>A on transcript NM_012199.5 (MANE Select); coding-DNA position 358, G replaced by A.
Protein change: p.Glu120Lys; replaces glutamic acid 120 with lysine.
Molecular consequence: missense variant.
Genome position (GRCh38, 1-based): chr1:35,893,124, G>A. VCF-style: chr1-35893124-G-A. GRCh37 (hg19) VCF-style: chr1-36358725-G-A.
Other names: c.358G>A, p.Glu120Lys (NM_001317122.2); c.133G>A, p.Glu45Lys (NM_001317123.2); short protein forms E120K, E45K.
Identifiers: ClinVar variation 4536533 (VCV004536533.1).

ClinVar aggregate classification (germline): Uncertain significance (1 of 4 stars; one submission).

gnomAD v4.1: 1 of 1,614,116 alleles (0.000062%); highest among the groups gnomAD compares: Non-Finnish European, 0.000085%; no homozygotes.

Submission:

GeneDx
Classification: Uncertain significance. Last evaluated: 2025-06-03. Review status: criteria provided, single submitter. Criteria: GeneDx Variant Classification Process June 2021. Collection method: clinical testing. Allele origin: germline. Affected: yes.
Comment: Not observed at significant frequency in large population cohorts (gnomAD); In silico analysis supports that this missense variant has a deleterious effect on protein structure/function; Has not been previously published as pathogenic or benign to our knowledge